The following is an entry in ClinVar:

NM_004638.4(PRRC2A):c.2410C>T (p.Arg804Cys)

Gene: PRRC2A (proline rich coiled-coil 2A; plus strand). Cytogenetic location: 6p21.33.
Variant type: single nucleotide variant.
Coding change: c.2410C>T on transcript NM_004638.4 (MANE Select); coding-DNA position 2410, C replaced by T.
Protein change: p.Arg804Cys; replaces arginine 804 with cysteine.
Molecular consequence: missense variant.
Genome position (GRCh38, 1-based): chr6:31,630,746, C>T. VCF-style: chr6-31630746-C-T. GRCh37 (hg19) VCF-style: chr6-31598523-C-T.
Other names: c.2410C>T, p.Arg804Cys (NM_080686.3); short protein forms R804C.
Identifiers: ClinVar variation 3041606 (VCV003041606.16), dbSNP rs11538262, ClinGen allele CA3715665.

ClinVar aggregate classification (germline): Benign. Review status: criteria provided, single submitter (1 of 4 stars). 2 submissions from 2 submitters: Benign (1). 1 of the submissions does not count toward it. Last evaluated 2024-10-01.

Conditions:
PRRC2A-related disorder. Also called: PRRC2A-related condition.

Allele frequency attached by ClinVar (database versions not stated): 1000 Genomes Project 0.00639; 1000 Genomes Project 30x 0.00671; ExAC 0.00757; ESP Exome Variant Server 0.00807; gnomAD 0.00826; gnomAD exomes 0.01071.
gnomAD v4.1: 16,710 of 1,614,156 alleles (1%); highest among the groups gnomAD compares: Non-Finnish European, 1.2%; 122 homozygotes.

Submissions (2):

CeGaT Center for Human Genetics Tuebingen
Classification: Benign. Last evaluated: 2024-10-01. Review status: criteria provided, single submitter. Criteria: CeGaT Center For Human Genetics Tuebingen Variant Classification Criteria Version 2. Collection method: clinical testing. Allele origin: germline. Affected: yes. Observed: 1 variant allele.
Comment: PRRC2A: BS1, BS2

PreventionGenetics, part of Exact Sciences
Classification: Benign for PRRC2A-related condition. Last evaluated: 2019-04-01. Review status: no assertion criteria provided. Collection method: clinical testing. Allele origin: germline. Not counted in ClinVar's aggregate classification.
Comment: This variant is classified as benign based on ACMG/AMP sequence variant interpretation guidelines (Richards et al. 2015 PMID: 25741868, with internal and published modifications).